The following is an entry in ClinVar:

NM_001042492.3(NF1):c.7953C>T (p.Pro2651=)

Gene: NF1 (neurofibromin 1; plus strand). Cytogenetic location: 17q11.2.
Variant type: single nucleotide variant.
Coding change: c.7953C>T on transcript NM_001042492.3 (MANE Select); coding-DNA position 7953, C replaced by T.
Protein change: p.Pro2651=; no amino-acid change (proline 2651 retained).
Molecular consequence: synonymous variant.
Genome position (GRCh38, 1-based): chr17:31,357,352, C>T. VCF-style: chr17-31357352-C-T. GRCh37 (hg19) VCF-style: chr17-29684370-C-T.
Other names: c.7890C>T, p.Pro2630= (NM_000267.4).
Identifiers: ClinVar variation 719565 (VCV000719565.13), dbSNP rs779167139, ClinGen allele CA8487695.

ClinVar aggregate classification (germline): Benign/Likely benign. Review status: criteria provided, multiple submitters, no conflicts (2 of 4 stars). 3 submissions from 3 submitters: Benign (1); Likely benign (2). Last evaluated 2026-05-22.

Conditions:
Hereditary cancer-predisposing syndrome. Also called: Hereditary Cancer Syndrome; Hereditary neoplastic syndrome; Neoplastic Syndromes, Hereditary; Tumor predisposition. Identifiers: Orphanet 140162, MedGen C0027672, MeSH D009386, MONDO:0015356.
Cardiovascular phenotype. Identifiers: MedGen CN230736.
Neurofibromatosis, type 1 (NF1). Also called: Neurofibromatosis, type I; VON RECKLINGHAUSEN DISEASE; NEUROFIBROMATOSIS, TYPE I, SOMATIC; Peripheral type neurofibromatosis. Identifiers: Orphanet 636, MedGen C0027831, MONDO:0018975, OMIM 162200. Disease mechanism: loss of function.

Allele frequency attached by ClinVar (database versions not stated): ExAC 0.00001; gnomAD exomes below 0.00001.
gnomAD v4.1: 5 of 1,613,324 alleles (0.00031%); highest among the groups gnomAD compares: East Asian, 0.0022%; no homozygotes.

Submissions (3):

Myriad Genetics, Inc.
Classification: Benign for Neurofibromatosis, type 1. Last evaluated: 2026-05-22. Review status: criteria provided, single submitter. Criteria: Myriad Autosomal Dominant, Autosomal Recessive and X-Linked Classification Criteria (2023). Collection method: clinical testing. Allele origin: unknown.
Comment: This variant is considered benign. This variant is a silent/synonymous amino acid change and it is not expected to impact splicing.

Labcorp Genetics (formerly Invitae), Labcorp
Classification: Likely benign for Neurofibromatosis, type 1. Last evaluated: 2025-10-11. Review status: criteria provided, single submitter. Criteria: Invitae Variant Classification Sherloc (09022015). Collection method: clinical testing. Allele origin: germline.

Ambry Genetics
Classification: Likely benign for Cardiovascular phenotype; Hereditary cancer-predisposing syndrome. Last evaluated: 2021-08-05. Review status: criteria provided, single submitter. Criteria: Ambry Variant Classification Scheme 2023. Collection method: clinical testing. Allele origin: germline.